The following is an entry in ClinVar:

NM_024782.3(NHEJ1):c.794C>T (p.Pro265Leu)

Genes: NHEJ1 (non-homologous end joining factor 1; minus strand), LOC126806516 (BRD4-independent group 4 enhancer GRCh37_chr2:219941606-219942805; plus strand). Cytogenetic location: 2q35.
Variant type: single nucleotide variant.
Coding change: c.794C>T on transcript NM_024782.3 (MANE Select); coding-DNA position 794, C replaced by T.
Protein change: p.Pro265Leu; replaces proline 265 with leucine.
Molecular consequence: missense variant. On other transcripts: non-coding transcript variant (1).
Genome position (GRCh38, 1-based): chr2:219,077,277, G>A on the plus strand (C>T on the coding strand, the complement: NHEJ1 is on the minus strand). VCF-style: chr2-219077277-G-A. GRCh37 (hg19) VCF-style: chr2-219941999-G-A.
Other names: c.794C>T, p.Pro265Leu (NM_001377498.1); c.809C>T, p.Pro270Leu (NM_001377499.1); short protein forms P265L, P270L.
Identifiers: ClinVar variation 834545 (VCV000834545.11), dbSNP rs770425392, ClinGen allele CA2116859.

ClinVar aggregate classification (germline): Uncertain significance. Review status: criteria provided, multiple submitters, no conflicts (2 of 4 stars). 2 submissions from 2 submitters: Uncertain significance (2). Last evaluated 2025-03-24.

Conditions:
Cernunnos-XLF deficiency (IMD124). Also called: SCID, AUTOSOMAL RECESSIVE, T CELL-NEGATIVE, B CELL-NEGATIVE, NK CELL-POSITIVE, WITH MICROCEPHALY, GROWTH RETARDATION, AND SENSITIVITY TO IONIZING RADIATION; NHEJ1 SYNDROME; Severe combined immunodeficiency with sensitivity to ionizing radiation due to NHEJ1 deficiency; SCID, autosomal recessive, T cell-negative, B cell-negative, NK cell-positive, and sensitivity to ionizing radiation due to NHEJ1 deficiency; IMMUNODEFICIENCY 124, SEVERE COMBINED. Identifiers: Orphanet 169079, MedGen C1969799, MONDO:0012650, OMIM 611291.
Inborn genetic diseases. Identifiers: MedGen C0950123, MeSH D030342.

Allele frequency attached by ClinVar (database versions not stated): TOPMed below 0.00001; gnomAD 0.00001; gnomAD exomes 0.00001 and 0.00003; ExAC 0.00003.
gnomAD v4.1: 14 of 1,613,924 alleles (0.00087%); highest among the groups gnomAD compares: Non-Finnish European, 0.0012%; no homozygotes.

Submissions (2):

Ambry Genetics
Classification: Uncertain significance for Inborn genetic diseases. Last evaluated: 2025-03-24. Review status: criteria provided, single submitter. Criteria: Ambry Variant Classification Scheme 2023. Collection method: clinical testing. Allele origin: germline.

Labcorp Genetics (formerly Invitae), Labcorp
Classification: Uncertain significance for Cernunnos-XLF deficiency. Last evaluated: 2024-10-16. Review status: criteria provided, single submitter. Criteria: Invitae Variant Classification Sherloc (09022015). Collection method: clinical testing. Allele origin: germline.
Comment: This sequence change replaces proline, which is neutral and non-polar, with leucine, which is neutral and non-polar, at codon 265 of the NHEJ1 protein (p.Pro265Leu). This variant is present in population databases (rs770425392, gnomAD 0.005%). This variant has not been reported in the literature in individuals affected with NHEJ1-related conditions. ClinVar contains an entry for this variant (Variation ID: 834545). Invitae Evidence Modeling of protein sequence and biophysical properties (such as structural, functional, and spatial information, amino acid conservation, physicochemical variation, residue mobility, and thermodynamic stability) indicates that this missense variant is not expected to disrupt NHEJ1 protein function with a negative predictive value of 80%. In summary, the available evidence is currently insufficient to determine the role of this variant in disease. Therefore, it has been classified as a Variant of Uncertain Significance.